The following is an entry in ClinVar:

NM_003458.4(BSN):c.5169T>C (p.His1723=)

Gene: BSN (bassoon presynaptic cytomatrix protein; plus strand). Cytogenetic location: 3p21.31.
Variant type: single nucleotide variant.
Coding change: c.5169T>C on transcript NM_003458.4 (MANE Select); coding-DNA position 5169, T replaced by C.
Protein change: p.His1723=; no amino-acid change (histidine 1723 retained).
Molecular consequence: synonymous variant.
Genome position (GRCh38, 1-based): chr3:49,654,725, T>C. VCF-style: chr3-49654725-T-C. GRCh37 (hg19) VCF-style: chr3-49692158-T-C.
Identifiers: ClinVar variation 3057250 (VCV003057250.2), dbSNP rs146032194, ClinGen allele CA2400283.

ClinVar aggregate classification (germline): Likely benign (0 of 4 stars; one submission).

Conditions:
BSN-related disorder. Also called: BSN-related condition.

Allele frequency attached by ClinVar (database versions not stated): ExAC 0.00006; TOPMed 0.00008; gnomAD 0.00011; ESP Exome Variant Server 0.00015; gnomAD exomes 0.00018.
gnomAD v4.1: 275 of 1,613,410 alleles (0.017%); highest among the groups gnomAD compares: Non-Finnish European, 0.023%; no homozygotes.

Submission:

PreventionGenetics, part of Exact Sciences
Classification: Likely benign for BSN-related condition. Last evaluated: 2019-03-28. Review status: no assertion criteria provided. Collection method: clinical testing. Allele origin: germline.
Comment: This variant is classified as likely benign based on ACMG/AMP sequence variant interpretation guidelines (Richards et al. 2015 PMID: 25741868, with internal and published modifications).